The following is an entry in ClinVar:

ClinVar aggregate classification (germline): Benign. Review status: criteria provided, single submitter (1 of 4 stars). 2 submissions from 2 submitters: Benign (1). 1 of the submissions does not count toward it. Last evaluated 2025-12-11.

Conditions:
MAPKBP1-related disorder. Also called: MAPKBP1-related condition.

Allele frequency attached by ClinVar (database versions not stated): gnomAD exomes 0.00013 and 0.00061; gnomAD 0.00020 and 0.00025; TOPMed 0.00032; ExAC 0.00058; 1000 Genomes Project 30x 0.00078; 1000 Genomes Project 0.00080.
gnomAD v4.1: 243 of 1,613,786 alleles (0.015%); highest among the groups gnomAD compares: East Asian, 0.5%; no homozygotes.

Submissions (2):

Labcorp Genetics (formerly Invitae), Labcorp
Classification: Benign. Last evaluated: 2025-12-11. Review status: criteria provided, single submitter. Criteria: Invitae Variant Classification Sherloc (09022015). Collection method: clinical testing. Allele origin: germline.

PreventionGenetics, part of Exact Sciences
Classification: Likely benign for MAPKBP1-related condition. Last evaluated: 2019-02-22. Review status: no assertion criteria provided. Collection method: clinical testing. Allele origin: germline. Not counted in ClinVar's aggregate classification.
Comment: This variant is classified as likely benign based on ACMG/AMP sequence variant interpretation guidelines (Richards et al. 2015 PMID: 25741868, with internal and published modifications).

NM_014994.3(MAPKBP1):c.2497G>A (p.Gly833Arg)

Gene: MAPKBP1 (mitogen-activated protein kinase binding protein 1; plus strand). Cytogenetic location: 15q15.1.
Variant type: single nucleotide variant.
Coding change: c.2497G>A on transcript NM_014994.3 (MANE Select); coding-DNA position 2497, G replaced by A.
Protein change: p.Gly833Arg; replaces glycine 833 with arginine.
Molecular consequence: missense variant. On other transcripts: non-coding transcript variant (2).
Genome position (GRCh38, 1-based): chr15:41,820,847, G>A. VCF-style: chr15-41820847-G-A. GRCh37 (hg19) VCF-style: chr15-42113045-G-A.
Other names: c.2515G>A, p.Gly839Arg (NM_001128608.2); c.2497G>A, p.Gly833Arg (NM_001265611.2); c.2515G>A (NM_001128608.1); short protein forms G833R, G839R.
Identifiers: ClinVar variation 1599031 (VCV001599031.10), dbSNP rs188811038, ClinGen allele CA7498298.